The following is an entry in ClinVar:

NM_001376.5(DYNC1H1):c.10817A>T (p.Asp3606Val)

Gene: DYNC1H1 (dynein cytoplasmic 1 heavy chain 1; plus strand). Cytogenetic location: 14q32.31.
Variant type: single nucleotide variant.
Coding change: c.10817A>T on transcript NM_001376.5 (MANE Select); coding-DNA position 10817, A replaced by T.
Protein change: p.Asp3606Val; replaces aspartic acid 3606 with valine.
Molecular consequence: missense variant.
Genome position (GRCh38, 1-based): chr14:102,036,551, A>T. VCF-style: chr14-102036551-A-T. GRCh37 (hg19) VCF-style: chr14-102502888-A-T.
Other names: short protein forms D3606V.
Identifiers: ClinVar variation 3636175 (VCV003636175.2).

ClinVar aggregate classification (germline): Uncertain significance (1 of 4 stars; one submission).

Conditions:
Charcot-Marie-Tooth disease axonal type 2O. Also called: Charcot-Marie-Tooth disease, axonal, type 20; CHARCOT-MARIE-TOOTH NEUROPATHY, AXONAL, TYPE 2O; CHARCOT-MARIE-TOOTH DISEASE, AXONAL, AUTOSOMAL DOMINANT, TYPE 2O; Charcot-Marie-Tooth Neuropathy Type 2O. Identifiers: Orphanet 284232, MedGen C3280220, MONDO:0013644, OMIM 614228.

Submission:

Labcorp Genetics (formerly Invitae), Labcorp
Classification: Uncertain significance for Charcot-Marie-Tooth disease axonal type 2O. Last evaluated: 2024-08-07. Review status: criteria provided, single submitter. Criteria: Invitae Variant Classification Sherloc (09022015). Collection method: clinical testing. Allele origin: germline.
Comment: This sequence change replaces aspartic acid, which is acidic and polar, with valine, which is neutral and non-polar, at codon 3606 of the DYNC1H1 protein (p.Asp3606Val). This variant is not present in population databases (gnomAD no frequency). This variant has not been reported in the literature in individuals affected with DYNC1H1-related conditions. Advanced modeling of protein sequence and biophysical properties (such as structural, functional, and spatial information, amino acid conservation, physicochemical variation, residue mobility, and thermodynamic stability) performed at Invitae indicates that this missense variant is expected to disrupt DYNC1H1 protein function with a positive predictive value of 95%. In summary, the available evidence is currently insufficient to determine the role of this variant in disease. Therefore, it has been classified as a Variant of Uncertain Significance.